The following is an entry in ClinVar:

ClinVar aggregate classification (germline): Benign/Likely benign. Review status: criteria provided, multiple submitters, no conflicts (2 of 4 stars). 5 submissions from 5 submitters: Benign (1); Likely benign (3). 1 of the submissions does not count toward it. Last evaluated 2025-08-07.

Conditions:
Hereditary cancer-predisposing syndrome. Also called: Tumor predisposition; Neoplastic Syndromes, Hereditary; Hereditary Cancer Syndrome; Hereditary neoplastic syndrome. Identifiers: Orphanet 140162, MedGen C0027672, MeSH D009386, MONDO:0015356.
Familial cancer of breast. Also called: BREAST CANCER, FAMILIAL; Hereditary breast cancer; hereditary breast carcinoma. Identifiers: Orphanet 227535, MedGen C0346153, MONDO:0016419, OMIM 114480. Disease mechanism: loss of function.
Ataxia-telangiectasia syndrome (AT). Also called: Cerebello-oculocutaneous telangiectasia; Immunodeficiency with ataxia telangiectasia; ATAXIA-TELANGIECTASIA, COMPLEMENTATION GROUP A; Ataxia-telangiectasia, complementation group D; AT, COMPLEMENTATION GROUP C; ATAXIA-TELANGIECTASIA, FRESNO VARIANT. Identifiers: Orphanet 100, MedGen C0004135, MONDO:0008840, OMIM 208900.
Malignant tumor of breast. Also called: Malignant breast neoplasm; Cancer breast. Identifiers: MedGen C0006142, MONDO:0007254. Disease mechanism: loss of function.

Allele frequency attached by ClinVar (database versions not stated): gnomAD exomes below 0.00001 and 0.00001; ExAC 0.00002.
gnomAD v4.1: 19 of 1,613,386 alleles (0.0012%); highest among the groups gnomAD compares: Non-Finnish European, 0.0015%; no homozygotes.

Submissions (5):

Labcorp Genetics (formerly Invitae), Labcorp
Classification: Likely benign for Ataxia-telangiectasia syndrome. Last evaluated: 2025-08-07. Review status: criteria provided, single submitter. Criteria: Invitae Variant Classification Sherloc (09022015). Collection method: clinical testing. Allele origin: germline.

Myriad Genetics, Inc.
Classification: Benign for Familial cancer of breast. Last evaluated: 2024-04-18. Review status: criteria provided, single submitter. Criteria: Myriad Autosomal Dominant, Autosomal Recessive and X-Linked Classification Criteria (2023). Collection method: clinical testing. Allele origin: unknown.
Comment: This variant is considered benign. This variant is a silent/synonymous amino acid change and it is not expected to impact splicing.

Color Diagnostics, LLC DBA Color Health
Classification: Likely benign for Hereditary cancer-predisposing syndrome. Last evaluated: 2018-12-03. Review status: criteria provided, single submitter. Criteria: ACMG Guidelines, 2015. Collection method: clinical testing. Allele origin: germline.

Ambry Genetics
Classification: Likely benign for Hereditary cancer-predisposing syndrome. Last evaluated: 2015-12-21. Review status: criteria provided, single submitter. Criteria: Ambry Variant Classification Scheme 2023. Collection method: clinical testing. Allele origin: germline.

Department of Pathology and Laboratory Medicine, Sinai Health System
Classification: Likely benign for Malignant tumor of breast. Review status: no assertion criteria provided. Collection method: clinical testing. Allele origin: unknown. Affected: yes. Study: The Canadian Open Genetics Repository (COGR). Not counted in ClinVar's aggregate classification.
Comment: The ATM p.Ile97= variant was not identified in the literature nor was it identified in the LOVD 3.0 database. The variant was identified in dbSNP (ID: rs746762110) as "With Likely benign allele" and ClinVar (classified as likely benign by Ambry Genetics). The variant was identified in control databases in 1 of 245806 chromosomes at a frequency of 0.000004 (Genome Aggregation Database Feb 27, 2017). The variant was observed in the European population in 1 of 111388 chromosomes (freq: 0.000009), while it was not observed in the African, Other, Latino, Ashkenazi Jewish, East Asian, Finnish, or South Asian populations. The p.Ile97= variant is not expected to have clinical significance because it does not result in a change of amino acid and is not located in a known consensus splice site. In addition, in silico or computational prediction software programs (SpliceSiteFinder, MaxEntScan, NNSPLICE, GeneSplicer) do not predict a difference in splicing. In summary, based on the above information, the clinical significance of this variant cannot be determined with certainty at this time although we would lean towards a more benign role for this variant. This variant is classified as likely benign.

NM_000051.4(ATM):c.291C>T (p.Ile97=)

Gene: ATM (ATM serine/threonine kinase; plus strand). Cytogenetic location: 11q22.3.
Variant type: single nucleotide variant.
Coding change: c.291C>T on transcript NM_000051.4 (MANE Select); coding-DNA position 291, C replaced by T.
Protein change: p.Ile97=; no amino-acid change (isoleucine 97 retained).
Molecular consequence: synonymous variant.
Genome position (GRCh38, 1-based): chr11:108,229,283, C>T. VCF-style: chr11-108229283-C-T. GRCh37 (hg19) VCF-style: chr11-108100010-C-T.
Other names: c.291C>T, p.Ile97= (NM_001351834.2, NM_001351835.2, NM_001351836.2).
Identifiers: ClinVar variation 478941 (VCV000478941.21), dbSNP rs746762110, ClinGen allele CA6264546.
Genomic context (GRCh38, chr11:108,229,283, plus strand): 5'-AGCAAAACCAAATGTATCAGCCTCAACACAAGCCTCCAGGCAGAAAAAGATGCAGGAAAT[C>T]AGTAGTTTGGTCAAATACTTCATCAAATGTGCAAACAGAAGTAAGTGATGTTATAAATTA-3'
Protein context (NP_000042.3, residues 87-107): QASRQKKMQE[Ile97=]SSLVKYFIKC